The following is an entry in ClinVar:

NM_000023.4(SGCA):c.448C>A (p.Pro150Thr)

Gene: SGCA (sarcoglycan alpha; plus strand). Cytogenetic location: 17q21.33.
Variant type: single nucleotide variant.
Coding change: c.448C>A on transcript NM_000023.4 (MANE Select); coding-DNA position 448, C replaced by A.
Protein change: p.Pro150Thr; replaces proline 150 with threonine.
Molecular consequence: missense variant. On other transcripts: non-coding transcript variant (1).
Genome position (GRCh38, 1-based): chr17:50,168,436, C>A. VCF-style: chr17-50168436-C-A. GRCh37 (hg19) VCF-style: chr17-48245797-C-A.
Other names: c.448C>A, p.Pro150Thr (NM_001135697.3); short protein forms P150T.
Identifiers: ClinVar variation 2176331 (VCV002176331.1), dbSNP rs1473270156, ClinGen allele CA400179897.

ClinVar aggregate classification (germline): Uncertain significance (1 of 4 stars; one submission).

Conditions:
Autosomal recessive limb-girdle muscular dystrophy type 2D (LGMDR3). Also called: MUSCULAR DYSTROPHY, LIMB-GIRDLE, AUTOSOMAL RECESSIVE 3; DUCHENNE-LIKE AUTOSOMAL RECESSIVE MUSCULAR DYSTROPHY, TYPE 2; ADHALINOPATHY, PRIMARY. Identifiers: Orphanet 62, MedGen C2936332, MONDO:0011968, OMIM 608099. Disease mechanism: Affects gamma-sarcoglycan and also disrupts the integrity of the entire sarcoglycan complex..

Allele frequency attached by ClinVar (database versions not stated): gnomAD 0.00001; TOPMed 0.00001.
gnomAD v4.1: 6 of 1,590,582 alleles (0.00038%); highest among the groups gnomAD compares: African/African-American, 0.0054%; no homozygotes.

Submission:

Labcorp Genetics (formerly Invitae), Labcorp
Classification: Uncertain significance for Autosomal recessive limb-girdle muscular dystrophy type 2D. Last evaluated: 2022-06-01. Review status: criteria provided, single submitter. Criteria: Invitae Variant Classification Sherloc (09022015). Collection method: clinical testing. Allele origin: germline.
Comment: This sequence change replaces proline, which is neutral and non-polar, with threonine, which is neutral and polar, at codon 150 of the SGCA protein (p.Pro150Thr). The frequency data for this variant in the population databases is considered unreliable, as metrics indicate poor data quality at this position in the gnomAD database. This variant has not been reported in the literature in individuals affected with SGCA-related conditions. Advanced modeling of protein sequence and biophysical properties (such as structural, functional, and spatial information, amino acid conservation, physicochemical variation, residue mobility, and thermodynamic stability) performed at Invitae indicates that this missense variant is expected to disrupt SGCA protein function. In summary, the available evidence is currently insufficient to determine the role of this variant in disease. Therefore, it has been classified as a Variant of Uncertain Significance.